The following is an entry in ClinVar:

ClinVar aggregate classification (germline): Uncertain significance. Review status: criteria provided, multiple submitters, no conflicts (2 of 4 stars). 5 submissions from 5 submitters: Uncertain significance (5). Last evaluated 2025-08-07.

Conditions:
Inborn genetic diseases. Identifiers: MedGen C0950123, MeSH D030342.
Hajdu-Cheney syndrome (HJCYS). Also called: Acroosteolysis dominant type; ACROOSTEOLYSIS WITH OSTEOPOROSIS AND CHANGES IN SKULL AND MANDIBLE; SERPENTINE FIBULA-POLYCYSTIC KIDNEY SYNDROME. Identifiers: Orphanet 955, MedGen C0917715, MONDO:0007057, OMIM 102500.
Alagille syndrome due to a NOTCH2 point mutation. Also called: Alagille syndrome 2. Identifiers: Orphanet 261629, Orphanet 52, MedGen C1857761, MONDO:0012439, OMIM 610205.

gnomAD v4.1: 24 of 1,613,916 alleles (0.0015%); highest among the groups gnomAD compares: Non-Finnish European, 0.0019%; no homozygotes.

Submissions (5):

Labcorp Genetics (formerly Invitae), Labcorp
Classification: Uncertain significance for Hajdu-Cheney syndrome. Last evaluated: 2025-08-07. Review status: criteria provided, single submitter. Criteria: Invitae Variant Classification Sherloc (09022015). Collection method: clinical testing. Allele origin: germline.
Comment: This sequence change replaces proline, which is neutral and non-polar, with threonine, which is neutral and polar, at codon 1052 of the NOTCH2 protein (p.Pro1052Thr). This variant is present in population databases (no rsID available, gnomAD 0.003%). This variant has not been reported in the literature in individuals affected with NOTCH2-related conditions. ClinVar contains an entry for this variant (Variation ID: 501164). Invitae Evidence Modeling of protein sequence and biophysical properties (such as structural, functional, and spatial information, amino acid conservation, physicochemical variation, residue mobility, and thermodynamic stability) indicates that this missense variant is not expected to disrupt NOTCH2 protein function with a negative predictive value of 80%. In summary, the available evidence is currently insufficient to determine the role of this variant in disease. Therefore, it has been classified as a Variant of Uncertain Significance.

Blueprint Genetics
Classification: Uncertain significance. Last evaluated: 2024-10-25. Review status: criteria provided, single submitter. Criteria: ACMG Guidelines, 2015. Collection method: clinical testing. Allele origin: germline.

Fulgent Genetics
Classification: Uncertain significance for Hajdu-Cheney syndrome; Alagille syndrome due to a NOTCH2 point mutation. Last evaluated: 2024-04-05. Review status: criteria provided, single submitter. Criteria: ACMG Guidelines, 2015. Collection method: clinical testing. Allele origin: germline.

Ambry Genetics
Classification: Uncertain significance for Inborn genetic diseases. Last evaluated: 2023-03-22. Review status: criteria provided, single submitter. Criteria: Ambry Variant Classification Scheme 2023. Collection method: clinical testing. Allele origin: germline.

Eurofins Ntd Llc (ga)
Classification: Uncertain significance. Last evaluated: 2017-03-30. Review status: criteria provided, single submitter. Criteria: EGL Classification Definitions 2015. Collection method: clinical testing. Allele origin: germline. Observed: 1 variant allele, 1 heterozygote.

NM_024408.4(NOTCH2):c.3154C>A (p.Pro1052Thr)

Gene: NOTCH2 (notch receptor 2; minus strand). Cytogenetic location: 1p12.
Variant type: single nucleotide variant.
Coding change: c.3154C>A on transcript NM_024408.4 (MANE Select); coding-DNA position 3154, C replaced by A.
Protein change: p.Pro1052Thr; replaces proline 1052 with threonine.
Molecular consequence: missense variant.
Genome position (GRCh38, 1-based): chr1:119,940,584, G>T on the plus strand (C>A on the coding strand, the complement: NOTCH2 is on the minus strand). VCF-style: chr1-119940584-G-T. GRCh37 (hg19) VCF-style: chr1-120483207-G-T.
Other names: c.3154C>A (NM_024408.3); c.3154C>A, p.Pro1052Thr (NM_001200001.2); short protein forms P1052T.
Identifiers: ClinVar variation 501164 (VCV000501164.15), dbSNP rs1417119248, ClinGen allele CA341854019.
Genomic context (GRCh38, chr1:119,940,584, plus strand): 5'-GAGCTGAGTGAATGGGAAGGAAGTCAATTACCTGACAGTTTTTCCCAGTGTAGCCCAGGG[G>T]GCAGCTGCAGCGGTAGGTACCCAGGCCATCAACACACGTTCCCTCATTCAGGCATGGATG-3'
Protein context (NP_077719.2, residues 1042-1062): DGLGTYRCSC[Pro1052Thr]LGYTGKNCQT